The following is an entry in ClinVar:

NM_012096.3(APPL1):c.1961A>G (p.Asn654Ser)

Genes: APPL1 (adaptor protein, phosphotyrosine interacting with PH domain and leucine zipper 1; plus strand), ASB14 (ankyrin repeat and SOCS box containing 14; minus strand). Cytogenetic location: 3p14.3.
Variant type: single nucleotide variant.
Coding change: c.1961A>G on transcript NM_012096.3 (MANE Select); coding-DNA position 1961, A replaced by G.
Protein change: p.Asn654Ser; replaces asparagine 654 with serine.
Molecular consequence: missense variant. On other transcripts: 3 prime UTR variant (2).
Genome position (GRCh38, 1-based): chr3:57,268,465, A>G. VCF-style: chr3-57268465-A-G. GRCh37 (hg19) VCF-style: chr3-57302493-A-G.
Other names: c.*1176T>C (NM_001142733.3, NM_130387.5); short protein forms N654S.
Identifiers: ClinVar variation 1318138 (VCV001318138.32), dbSNP rs144769112, ClinGen allele CA2463993.

ClinVar aggregate classification (germline): Conflicting classifications of pathogenicity. Review status: criteria provided, conflicting classifications (1 of 4 stars). 5 submissions from 5 submitters: Uncertain significance (3); Likely benign (2). Last evaluated 2026-04-01.

Conditions:
Maturity-onset diabetes of the young type 14. Also called: MODY 14. Identifiers: Orphanet 552, MedGen C4225299, MONDO:0014674, OMIM 616511.

Allele frequency attached by ClinVar (database versions not stated): gnomAD exomes 0.00041 and 0.00111; ExAC 0.00049; TOPMed 0.00052; gnomAD 0.00056; 1000 Genomes Project 0.00060; ESP Exome Variant Server 0.00069; 1000 Genomes Project 30x 0.00078.
gnomAD v4.1: 1,665 of 1,605,176 alleles (0.1%); highest among the groups gnomAD compares: Non-Finnish European, 0.14%; 2 homozygotes.

Submissions (5):

CeGaT Center for Human Genetics Tuebingen
Classification: Likely benign. Last evaluated: 2026-04-01. Review status: criteria provided, single submitter. Criteria: CeGaT Center For Human Genetics Tuebingen Variant Classification Criteria Version 2. Collection method: clinical testing. Allele origin: germline. Affected: yes. Observed: 2 variant alleles.
Comment: APPL1: BP4, BS2

Labcorp Genetics (formerly Invitae), Labcorp
Classification: Uncertain significance. Last evaluated: 2026-01-26. Review status: criteria provided, single submitter. Criteria: Invitae Variant Classification Sherloc (09022015). Collection method: clinical testing. Allele origin: germline.
Comment: This sequence change replaces asparagine, which is neutral and polar, with serine, which is neutral and polar, at codon 654 of the APPL1 protein (p.Asn654Ser). This variant is present in population databases (rs144769112, gnomAD 0.08%), and has an allele count higher than expected for a pathogenic variant. This variant has not been reported in the literature in individuals affected with APPL1-related conditions. ClinVar contains an entry for this variant (Variation ID: 1318138). An algorithm developed to predict the effect of missense changes on protein structure and function outputs the following: PolyPhen-2: "Benign". The serine amino acid residue is found in multiple mammalian species, which suggests that this missense change does not adversely affect protein function. In summary, the available evidence is currently insufficient to determine the role of this variant in disease. Therefore, it has been classified as a Variant of Uncertain Significance.

Women's Health and Genetics/Laboratory Corporation of America, LabCorp
Classification: Uncertain significance. Last evaluated: 2024-12-16. Review status: criteria provided, single submitter. Criteria: LabCorp Variant Classification Summary - May 2015. Collection method: clinical testing. Allele origin: germline.
Comment: Variant summary: APPL1 c.1961A>G (p.Asn654Ser) results in a conservative amino acid change in the encoded protein sequence. Three of four in-silico tools predict a benign effect of the variant on protein function. The variant allele was found at a frequency of 0.00041 in 240654 control chromosomes (gnomAD). This frequency is not significantly higher than estimated for a pathogenic variant in APPL1 causing Maturity-Onset Diabetes Of The Young Type 14, allowing no conclusion about variant significance. c.1961A>G has been reported in the literature in one individual affected with Juvenile idiopathic arthritis (Meng_2021). The report does not provide unequivocal conclusions about association of the variant with Maturity-Onset Diabetes Of The Young Type 14. To our knowledge, no experimental evidence demonstrating an impact on protein function has been reported. The following publication have been ascertained in the context of this evaluation (PMID: 33408077). ClinVar contains an entry for this variant (Variation ID: 1318138). Based on the evidence outlined above, the variant was classified as uncertain significance.

ARUP Laboratories, Molecular Genetics and Genomics, ARUP Laboratories
Classification: Uncertain significance for Maturity-onset diabetes of the young type 14. Last evaluated: 2024-12-04. Review status: criteria provided, single submitter. Criteria: ARUP Molecular Germline Variant Investigation Process 2024. Collection method: clinical testing. Allele origin: germline.
Comment: The APPL1 c.1961A>G; p.Asn654Ser variant (rs144769112), to our knowledge, is not reported in the medical literature in association with maturity-onset diabetes of the young but is reported in ClinVar (Variation ID: 1318138). This variant is found in the non-Finnish European population with an allele frequency of 0.08150% (101/123,940 alleles) in the Genome Aggregation Database. Computational analyses predict that this variant is neutral (REVEL: 0.038). While the high population frequency suggests that this is likely a benign variant, given the lack of clinical and functional data, the significance of this variant is uncertain at this time.

GeneDx
Classification: Likely benign. Last evaluated: 2020-01-06. Review status: criteria provided, single submitter. Criteria: GeneDx Variant Classification Process June 2021. Collection method: clinical testing. Allele origin: germline. Affected: yes.
Comment: This variant is associated with the following publications: (PMID: 33408077)

Literature cited by the submitters: PubMed 33408077 (cited by Women's Health and Genetics/Laboratory Corporation of America, LabCorp).